The following is an entry in ClinVar:

ClinVar aggregate classification (germline): Uncertain significance (1 of 4 stars; one submission).

Submission:

Women's Health and Genetics/Laboratory Corporation of America, LabCorp
Classification: Uncertain significance. Last evaluated: 2026-02-19. Review status: criteria provided, single submitter. Criteria: LabCorp Variant Classification Summary - May 2015. Collection method: clinical testing. Allele origin: germline.
Comment: Variant summary: CD96 c.1728T>A (p.Asp576Glu) results in a conservative amino acid change in the encoded protein sequence. Algorithms developed to predict the effect of missense changes on protein structure and function all suggest that this variant is likely to be tolerated. The variant was absent in 251312 control chromosomes. The available data on variant occurrences in the general population are insufficient to allow any conclusion about variant significance. To our knowledge, no occurrence of c.1728T>A in individuals affected with CD96-related conditions and no experimental evidence demonstrating its impact on protein function have been reported. No submitters have cited clinical-significance assessments for this variant to ClinVar. Based on the evidence outlined above, the variant was classified as uncertain significance.

NM_005816.5(CD96):c.1680T>A (p.Asp560Glu)

Gene: CD96 (CD96 molecule; plus strand). Cytogenetic location: 3q13.2.
Variant type: single nucleotide variant.
Coding change: c.1680T>A on transcript NM_005816.5 (MANE Select); coding-DNA position 1680, T replaced by A.
Protein change: p.Asp560Glu; replaces aspartic acid 560 with glutamic acid.
Molecular consequence: missense variant. On other transcripts: non-coding transcript variant (1).
Genome position (GRCh38, 1-based): chr3:111,649,776, T>A. VCF-style: chr3-111649776-T-A. GRCh37 (hg19) VCF-style: chr3-111368623-T-A.
Other names: c.1677T>A, p.Asp559Glu (NM_001410800.1); c.1728T>A, p.Asp576Glu (NM_198196.3); short protein forms D559E, D560E, D576E.
Identifiers: ClinVar variation 4848220 (VCV004848220.1).
Genomic context (GRCh38, chr3:111,649,776, plus strand): 5'-TTTCAAGCCACCACCACCTCCCATCAAGTACACTTGCATTCAAGAGCCCAACGAAAGTGA[T>A]CTGCCTTATCATGAGATGGAGACCCTCTAGTCTCGTGAGACTTTGCCCCATGGCAGAACT-3'
Protein context (NP_005807.1, residues 550-569): YTCIQEPNES[Asp560Glu]LPYHEMETL